The following is an entry in ClinVar:

NM_001195518.2(MICU1):c.1096A>C (p.Asn366His)

Gene: MICU1 (mitochondrial calcium uptake 1; minus strand). Cytogenetic location: 10q22.1.
Variant type: single nucleotide variant.
Coding change: c.1096A>C on transcript NM_001195518.2 (MANE Select); coding-DNA position 1096, A replaced by C.
Protein change: p.Asn366His; replaces asparagine 366 with histidine.
Molecular consequence: missense variant.
Genome position (GRCh38, 1-based): chr10:72,408,013, T>G on the plus strand (A>C on the coding strand, the complement: MICU1 is on the minus strand). VCF-style: chr10-72408013-T-G. GRCh37 (hg19) VCF-style: chr10-74167771-T-G.
Other names: c.502A>C, p.Asn168His (NM_001195519.2); c.1114A>C, p.Asn372His (NM_001363513.2); c.1102A>C, p.Asn368His (NM_006077.4); short protein forms N168H, N366H, N368H, N372H.
Identifiers: ClinVar variation 1701139 (VCV001701139.32), dbSNP rs761453593, ClinGen allele CA5550070.

ClinVar aggregate classification (germline): Uncertain significance. Review status: criteria provided, multiple submitters, no conflicts (2 of 4 stars). 2 submissions from 2 submitters: Uncertain significance (2). Last evaluated 2022-07-01.

Allele frequency attached by ClinVar (database versions not stated): TOPMed 0.00001; ExAC 0.00002; gnomAD exomes 0.00002 and 0.00005; gnomAD 0.00003 and 0.00004.
gnomAD v4.1: 73 of 1,613,558 alleles (0.0045%); highest among the groups gnomAD compares: Non-Finnish European, 0.0059%; no homozygotes.

Submissions (2):

CeGaT Center for Human Genetics Tuebingen
Classification: Uncertain significance. Last evaluated: 2022-07-01. Review status: criteria provided, single submitter. Criteria: CeGaT Center For Human Genetics Tuebingen Variant Classification Criteria Version 2. Collection method: clinical testing. Allele origin: germline. Affected: yes. Observed: 1 variant allele.

Labcorp Genetics (formerly Invitae), Labcorp
Classification: Uncertain significance. Last evaluated: 2022-04-12. Review status: criteria provided, single submitter. Criteria: Invitae Variant Classification Sherloc (09022015). Collection method: clinical testing. Allele origin: germline.
Comment: This sequence change replaces asparagine, which is neutral and polar, with histidine, which is basic and polar, at codon 368 of the MICU1 protein (p.Asn368His). This variant is present in population databases (rs761453593, gnomAD 0.004%). This variant has not been reported in the literature in individuals affected with MICU1-related conditions. Algorithms developed to predict the effect of missense changes on protein structure and function are either unavailable or do not agree on the potential impact of this missense change (SIFT: "Tolerated"; PolyPhen-2: "Not Available"; Align-GVGD: "Class C0"). In summary, the available evidence is currently insufficient to determine the role of this variant in disease. Therefore, it has been classified as a Variant of Uncertain Significance.